The following is an entry in ClinVar:

NC_000002.11:g.(?_233028159)_(233028352_?)dup

Gene: DIS3L2 (DIS3 like 3'-5' exoribonuclease 2; plus strand). Cytogenetic location: 2q37.1.
Variant type: Duplication.
Identifiers: ClinVar variation 583464 (VCV000583464.3).

ClinVar aggregate classification (germline): Uncertain significance (1 of 4 stars; one submission).

Conditions:
Perlman syndrome (PRLMNS). Identifiers: Orphanet 2849, MedGen C0796113, MONDO:0009965, OMIM 267000.

Submission:

Labcorp Genetics (formerly Invitae), Labcorp
Classification: Uncertain significance for Renal hamartomas nephroblastomatosis and fetal gigantism. Last evaluated: 2020-01-06. Review status: criteria provided, single submitter. Criteria: Invitae Variant Classification Sherloc (09022015). Collection method: clinical testing. Allele origin: germline.
Comment: This variant results in a copy number gain of the genomic region encompassing exon 9 of the DIS3L2 gene. While the exact position of this variant cannot be determined from this data, sub-genic copy number gains are generally in tandem (PMID: 25640679). This variant would be expected to be in-frame, preserving the integrity of the reading frame. This variant has not been reported in the literature in individuals with DIS3L2-related disease. In summary, the available evidence is currently insufficient to determine the role of this variant in disease. Therefore, it has been classified as a Variant of Uncertain Significance.